The following is an entry in ClinVar:

NM_152424.4(AMER1):c.3149A>G (p.Asp1050Gly)

Gene: AMER1 (APC membrane recruitment protein 1; minus strand). Cytogenetic location: Xq11.2.
Variant type: single nucleotide variant.
Coding change: c.3149A>G on transcript NM_152424.4 (MANE Select); coding-DNA position 3149, A replaced by G.
Protein change: p.Asp1050Gly; replaces aspartic acid 1050 with glycine.
Molecular consequence: missense variant.
Genome position (GRCh38, 1-based): chrX:64,190,138, T>C on the plus strand (A>G on the coding strand, the complement: AMER1 is on the minus strand). VCF-style: chrX-64190138-T-C. GRCh37 (hg19) VCF-style: chrX-63410018-T-C.
Other names: short protein forms D1050G.
Identifiers: ClinVar variation 3363486 (VCV003363486.1).

ClinVar aggregate classification (germline): Uncertain significance (1 of 4 stars; one submission).

Submission:

GeneDx
Classification: Uncertain significance. Last evaluated: 2023-11-11. Review status: criteria provided, single submitter. Criteria: GeneDx Variant Classification Process June 2021. Collection method: clinical testing. Allele origin: germline. Affected: yes.
Comment: In silico analysis supports that this missense variant does not alter protein structure/function; Has not been previously published as pathogenic or benign to our knowledge